The following is an entry in ClinVar:

NM_006767.4(LZTR1):c.2149A>G (p.Arg717Gly)

Gene: LZTR1 (leucine zipper like post translational regulator 1; plus strand). Cytogenetic location: 22q11.21.
Variant type: single nucleotide variant.
Coding change: c.2149A>G on transcript NM_006767.4 (MANE Select); coding-DNA position 2149, A replaced by G.
Protein change: p.Arg717Gly; replaces arginine 717 with glycine.
Molecular consequence: missense variant.
Genome position (GRCh38, 1-based): chr22:20,996,042, A>G. VCF-style: chr22-20996042-A-G. GRCh37 (hg19) VCF-style: chr22-21350331-A-G.
Other names: short protein forms R717G.
Identifiers: ClinVar variation 3238208 (VCV003238208.4), dbSNP rs775489034.
Genomic context (GRCh38, chr22:20,996,042, plus strand): 5'-CGGTCCTTCATGCCCGAAGATGGGCAGGTGAACATCTCCATCGGGGAGATGGTGCCCAGC[A>G]GGCAGGCCTTCGAGTCCATGCTGCGCTACATCTACTACGGCGAGGTCAACATGCCGCCCG-3'
Protein context (NP_006758.2, residues 707-727): NISIGEMVPS[Arg717Gly]QAFESMLRYI

ClinVar aggregate classification (germline): Uncertain significance. Review status: criteria provided, multiple submitters, no conflicts (2 of 4 stars). 3 submissions from 3 submitters: Uncertain significance (3). Last evaluated 2026-02-26.

Conditions:
Hereditary cancer-predisposing syndrome. Also called: Tumor predisposition; Neoplastic Syndromes, Hereditary; Hereditary Cancer Syndrome; Hereditary neoplastic syndrome. Identifiers: Orphanet 140162, MedGen C0027672, MeSH D009386, MONDO:0015356.
Cardiovascular phenotype. Identifiers: MedGen CN230736.

Allele frequency attached by ClinVar (database versions not stated): ExAC 0.00001.

Submissions (3):

GeneDx
Classification: Uncertain significance. Last evaluated: 2026-02-26. Review status: criteria provided, single submitter. Criteria: GeneDx Variant Classification Process June 2021. Collection method: clinical testing. Allele origin: germline.
Comment: Not observed at significant frequency in large population cohorts (gnomAD); In silico analysis suggests that this missense variant does not alter protein structure/function; Has not been previously published as pathogenic or benign to our knowledge

Labcorp Genetics (formerly Invitae), Labcorp
Classification: Uncertain significance. Last evaluated: 2024-12-15. Review status: criteria provided, single submitter. Criteria: Invitae Variant Classification Sherloc (09022015). Collection method: clinical testing. Allele origin: germline.
Comment: This sequence change replaces arginine, which is basic and polar, with glycine, which is neutral and non-polar, at codon 717 of the LZTR1 protein (p.Arg717Gly). This variant is not present in population databases (gnomAD no frequency). This variant has not been reported in the literature in individuals affected with LZTR1-related conditions. ClinVar contains an entry for this variant (Variation ID: 3238208). Invitae Evidence Modeling of protein sequence and biophysical properties (such as structural, functional, and spatial information, amino acid conservation, physicochemical variation, residue mobility, and thermodynamic stability) indicates that this missense variant is not expected to disrupt LZTR1 protein function with a negative predictive value of 80%. In summary, the available evidence is currently insufficient to determine the role of this variant in disease. Therefore, it has been classified as a Variant of Uncertain Significance.

Ambry Genetics
Classification: Uncertain significance for Cardiovascular phenotype; Hereditary cancer-predisposing syndrome. Last evaluated: 2023-10-19. Review status: criteria provided, single submitter. Criteria: Ambry Variant Classification Scheme 2023. Collection method: clinical testing. Allele origin: germline.
Comment: The p.R717G variant (also known as c.2149A>G), located in coding exon 18 of the LZTR1 gene, results from an A to G substitution at nucleotide position 2149. The arginine at codon 717 is replaced by glycine, an amino acid with dissimilar properties. This amino acid position is conserved. In addition, the in silico prediction for this alteration is inconclusive. Since supporting evidence is limited at this time, the clinical significance of this alteration remains unclear.